The following is an entry in ClinVar:

ClinVar aggregate classification (germline): Benign (1 of 4 stars; one submission).

Conditions:
Metaphyseal chondrodysplasia, Schmid type (MCDS). Also called: SPONDYLOMETAPHYSEAL DYSPLASIA, JAPANESE TYPE. Identifiers: Orphanet 174, MedGen C0265289, MONDO:0007983, OMIM 156500.

Allele frequency attached by ClinVar (database versions not stated): gnomAD 0.00134 and 0.00286; gnomAD exomes 0.00253; 1000 Genomes Project 0.01018.
gnomAD v4.1: 559 of 200,764 alleles (0.28%); highest among the groups gnomAD compares: South Asian, 3.9%; 11 homozygotes.

Submission:

Illumina Laboratory Services, Illumina
Classification: Benign for Metaphyseal chondrodysplasia, Schmid type. Last evaluated: 2018-01-13. Review status: criteria provided, single submitter. Criteria: ICSL Variant Classification Criteria 13 December 2019. Collection method: clinical testing. Allele origin: germline.
Comment: This variant was observed in the ICSL laboratory as part of a predisposition screen in an ostensibly healthy population. It had not been previously curated by ICSL or reported in the Human Gene Mutation Database (HGMD: prior to June 1st, 2018), and was therefore a candidate for classification through an automated scoring system. Utilizing variant allele frequency, disease prevalence and penetrance estimates, and inheritance mode, an automated score was calculated to assess if this variant is too frequent to cause the disease. Based on the score and internal cut-off values, a variant classified as benign is not then subjected to further curation. The score for this variant resulted in a classification of benign for this disease.

NM_000493.4(COL10A1):c.*315A>T

Genes: COL10A1 (collagen type X alpha 1 chain; minus strand), NT5DC1 (5'-nucleotidase domain containing 1; plus strand). Cytogenetic location: 6q22.1.
Variant type: single nucleotide variant.
Coding change: c.*315A>T on transcript NM_000493.4 (MANE Select); 315 bases downstream of the stop codon, A replaced by T.
Molecular consequence: 3 prime UTR variant. On other transcripts: intron variant (1).
Genome position (GRCh38, 1-based): chr6:116,119,758, T>A on the plus strand (A>T on the coding strand, the complement: COL10A1 is on the minus strand). VCF-style: chr6-116119758-T-A. GRCh37 (hg19) VCF-style: chr6-116440921-T-A.
Other names: c.*315A>T (NM_001424106.1, NM_001424107.1); c.529+1813T>A (NM_152729.3).
Identifiers: ClinVar variation 355083 (VCV000355083.5), dbSNP rs566937288, ClinGen allele CA10625721.
Genomic context (GRCh38, chr6:116,119,758, plus strand): 5'-CCGAGTTTCTCAAATCAAATTTCACATAACTTAGAGCTCTATTTCTGTTTTTTTTTTTAA[T>A]TTTTTTTTTGTTGTTTGTTTTTTGTTGTTTGTTTTTAACATAGCAGGACTTCTTTGGTGA-3'